The following is an entry in ClinVar:

ClinVar aggregate classification (germline): Uncertain significance. Review status: criteria provided, multiple submitters, no conflicts (2 of 4 stars). 2 submissions from 2 submitters: Uncertain significance (2). Last evaluated 2025-07-13.

Conditions:
Cardiomyopathy (CMYO). Also called: Cardiomyopathies. Identifiers: Orphanet 167848, MedGen C0878544, MONDO:0004994, HP:0001638. Inheritance: Various modes of inheritance.
Myopathy, myosin storage, autosomal recessive (CMYO7B). Also called: CONGENITAL MYOPATHY 7B, MYOSIN STORAGE, AUTOSOMAL RECESSIVE. Identifiers: Orphanet 636970, MedGen C1850709, MONDO:0009708, OMIM 255160.
Congenital myopathy with fiber type disproportion. Also called: Congenital fiber-type disproportion myopathy; Congenital fiber-type disproportion. Identifiers: Orphanet 2020, MedGen C0546264, MONDO:0009711. Inheritance: all.
Dilated cardiomyopathy 1S (CMD1S). Identifiers: Orphanet 154, Orphanet 54260, MedGen C1834481, MONDO:0013262, OMIM 613426.
Left ventricular noncompaction 1 (LVNC1). Also called: LEFT VENTRICULAR NONCOMPACTION 1 WITH OR WITHOUT CONGENITAL HEART DEFECTS. Identifiers: Orphanet 54260, MedGen C1858725, MONDO:0011403, OMIM 604169.
Hypertrophic cardiomyopathy 1 (CMH1). Also called: MYH7-Related Familial Hypertrophic Cardiomyopathy; Familial hypertrophic cardiomyopathy 1. Identifiers: MedGen C3495498, MONDO:0008647, OMIM 192600.
Myosin storage myopathy (CMYO7A). Also called: MYOPATHY, HYALINE BODY, AUTOSOMAL DOMINANT; Scapuloperoneal myopathy, MYH7-related; MYH7-related late-onset scapuloperoneal muscular dystrophy; Congenital myopathy 7A, myosin storage, autosomal dominant; MYOPATHY WITH LYSIS OF TYPE I MYOFIBRILS; SCAPULOPERONEAL MUSCULAR DYSTROPHY. Identifiers: Orphanet 437572, Orphanet 636965, MedGen C1842160, MONDO:0008409, OMIM 608358.
MYH7-related skeletal myopathy. Also called: MYOPATHY, DISTAL, EARLY-ONSET, AUTOSOMAL DOMINANT; MYOPATHY, LATE DISTAL HEREDITARY; Myopathy, distal, 1; Laing distal myopathy; Laing early-onset distal myopathy. Identifiers: Orphanet 59135, MedGen C4552004, MONDO:0008050, OMIM 160500.
Hypertrophic cardiomyopathy. Also called: HYPERTROPHIC MYOCARDIOPATHY. Identifiers: Orphanet 217569, MedGen C0007194, MeSH D002312, MONDO:0005045, HP:0001639.

gnomAD v4.1: 11 of 1,613,874 alleles (0.00068%); highest among the groups gnomAD compares: Non-Finnish European, 0.00093%; no homozygotes.

Submissions (2):

Labcorp Genetics (formerly Invitae), Labcorp
Classification: Uncertain significance for Hypertrophic cardiomyopathy. Last evaluated: 2025-07-13. Review status: criteria provided, single submitter. Criteria: Invitae Variant Classification Sherloc (09022015). Collection method: clinical testing. Allele origin: germline.
Comment: This sequence change replaces glutamine, which is neutral and polar, with histidine, which is basic and polar, at codon 1237 of the MYH7 protein (p.Gln1237His). This variant is not present in population databases (gnomAD no frequency). This missense change has been observed in individual(s) with clinical features of hypertrophic cardiomyopathy (PMID: 31737537, 33495597). ClinVar contains an entry for this variant (Variation ID: 937186). Invitae Evidence Modeling of protein sequence and biophysical properties (such as structural, functional, and spatial information, amino acid conservation, physicochemical variation, residue mobility, and thermodynamic stability) indicates that this missense variant is not expected to disrupt MYH7 protein function with a negative predictive value of 95%. In summary, the available evidence is currently insufficient to determine the role of this variant in disease. Therefore, it has been classified as a Variant of Uncertain Significance.

All of Us Research Program, National Institutes of Health
Classification: Uncertain significance for Cardiomyopathy. Last evaluated: 2024-04-16. Review status: criteria provided, single submitter. Criteria: ACMG Guidelines, 2015. Collection method: clinical testing. Allele origin: germline. Inheritance: Autosomal dominant inheritance. Observed: 2 variant alleles, 2 heterozygotes.
Comment: This missense variant replaces glutamine with histidine at codon 1237 of the MYH7 protein. Computational prediction suggests that this variant may not impact protein structure and function (internally defined REVEL score threshold <= 0.5, PMID: 27666373). To our knowledge, functional studies have not been reported for this variant. This variant has been reported in at least one individual affected with hypertrophic cardiomyopathy (PMID: 31737537, 33495597). This variant has not been identified in the general population by the Genome Aggregation Database (gnomAD). The available evidence is insufficient to determine the role of this variant in disease conclusively. Therefore, this variant is classified as a Variant of Uncertain Significance.

This study involves interpretation of variants in research participants for the purpose of population health screening. Participant phenotype was not available at the time of variant classification. Additional details can be found in publication PMID: 35346344, PMCID: PMC8962531

Literature cited by the submitters: PubMed 31737537 (cited by Labcorp Genetics (formerly Invitae), Labcorp and All of Us Research Program, National Institutes of Health); PubMed 33495597 (cited by Labcorp Genetics (formerly Invitae), Labcorp and All of Us Research Program, National Institutes of Health).

NM_000257.4(MYH7):c.3711G>C (p.Gln1237His)

Gene: MYH7 (myosin heavy chain 7; minus strand). Cytogenetic location: 14q11.2.
Variant type: single nucleotide variant.
Coding change: c.3711G>C on transcript NM_000257.4 (MANE Select); coding-DNA position 3711, G replaced by C.
Protein change: p.Gln1237His; replaces glutamine 1237 with histidine.
Molecular consequence: missense variant.
Genome position (GRCh38, 1-based): chr14:23,419,860, C>G on the plus strand (G>C on the coding strand, the complement: MYH7 is on the minus strand). VCF-style: chr14-23419860-C-G. GRCh37 (hg19) VCF-style: chr14-23889069-C-G.
Other names: short protein forms Q1237H.
Identifiers: ClinVar variation 937186 (VCV000937186.15), dbSNP rs1361182615, ClinGen allele CA389042944.